The following is an entry in ClinVar:

ClinVar aggregate classification (germline): Pathogenic/Likely pathogenic. Review status: criteria provided, multiple submitters, no conflicts (2 of 4 stars). 4 submissions from 4 submitters: Pathogenic (2); Likely pathogenic (1). 1 of the submissions does not count toward it. Last evaluated 2024-12-02.

Conditions:
Retinitis pigmentosa (RP). Identifiers: Orphanet 791, MedGen C0035334, MeSH D012174, MONDO:0019200, OMIM 268000. Inheritance: Autosomal dominant, autosomal recessive and X linked inheritance.

Allele frequency attached by ClinVar (database versions not stated): gnomAD 0.00001; TOPMed 0.00001.
gnomAD v4.1: 2 of 1,613,558 alleles (0.00012%); highest among the groups gnomAD compares: Non-Finnish European, 0.00017%; no homozygotes.

Submissions (4):

Labcorp Genetics (formerly Invitae), Labcorp
Classification: Likely pathogenic. Last evaluated: 2024-12-02. Review status: criteria provided, single submitter. Criteria: Invitae Variant Classification Sherloc (09022015). Collection method: clinical testing. Allele origin: germline.
Comment: This sequence change affects an acceptor splice site in intron 3 of the RP1 gene. While this variant is not anticipated to result in nonsense mediated decay, it likely alters RNA splicing and results in a disrupted protein product. This variant is not present in population databases (gnomAD no frequency). Disruption of this splice site has been observed in individuals with autosomal recessive retinitis pigmentosa (PMID: 30718709, 32531858, 33576794). ClinVar contains an entry for this variant (Variation ID: 636096). Variants that disrupt the consensus splice site are a relatively common cause of aberrant splicing (PMID: 17576681, 9536098). In summary, the currently available evidence indicates that the variant is pathogenic, but additional data are needed to prove that conclusively. Therefore, this variant has been classified as Likely Pathogenic.

Molecular Genetics Laboratory, Institute for Ophthalmic Research
Classification: Pathogenic for Retinitis pigmentosa. Last evaluated: 2020-01-09. Review status: criteria provided, single submitter. Criteria: ACMG Guidelines, 2015. Collection method: research. Allele origin: germline. Affected: yes.

CeGaT Center for Human Genetics Tuebingen
Classification: Pathogenic. Last evaluated: 2019-02-01. Review status: criteria provided, single submitter. Criteria: CeGaT Center For Human Genetics Tuebingen Variant Classification Criteria Version 2. Collection method: clinical testing. Allele origin: germline. Affected: yes. Observed: 1 variant allele.

Department of Clinical Genetics, Copenhagen University Hospital, Rigshospitalet
Classification: Likely pathogenic for Retinitis pigmentosa. Last evaluated: 2018-04-01. Review status: no assertion criteria provided. Collection method: research. Allele origin: unknown. Affected: yes. Study: VeluxRD. Not counted in ClinVar's aggregate classification.

Literature cited by the submitters: PubMed 30718709 (cited by Labcorp Genetics (formerly Invitae), Labcorp and Department of Clinical Genetics, Copenhagen University Hospital, Rigshospitalet); PubMed 32531858 (cited by Labcorp Genetics (formerly Invitae), Labcorp); PubMed 33576794 (cited by Labcorp Genetics (formerly Invitae), Labcorp); PubMed 17576681 (cited by Labcorp Genetics (formerly Invitae), Labcorp); PubMed 9536098 (cited by Labcorp Genetics (formerly Invitae), Labcorp).

NM_006269.2(RP1):c.788-2A>T

Gene: RP1 (RP1 axonemal microtubule associated; plus strand). Cytogenetic location: 8q12.1.
Variant type: single nucleotide variant.
Coding change: c.788-2A>T on transcript NM_006269.2 (MANE Select); the canonical splice acceptor site of the intron before coding-DNA position 788, A replaced by T.
Molecular consequence: splice acceptor variant. On other transcripts: intron variant (1).
Genome position (GRCh38, 1-based): chr8:54,624,668, A>T. VCF-style: chr8-54624668-A-T. GRCh37 (hg19) VCF-style: chr8-55537228-A-T.
Other names: c.787+2380A>T (NM_001375654.1).
Identifiers: ClinVar variation 636096 (VCV000636096.46), dbSNP rs1422250479, ClinGen allele CA370988573.
Genomic context (GRCh38, chr8:54,624,668, plus strand): 5'-ACTTCTCTGCCTTCCATATTATATTTTGATGTGGGCACCTTTTACTCTTAAAATCTTTAA[A>T]GTAAGCACACATATGTCTTCAAGCTCAAGGTCCCAGATTTATTCTGTTTCTTCTGAGAAA-3'